The following is an entry in ClinVar:

NM_000518.4(HBB):c.410G>A (p.Gly137Asp)

Genes: HBB (hemoglobin subunit beta; minus strand), LOC107133510 (origin of replication at HBB; plus strand), LOC110006319 (beta-globin gene 3' regulatory region; plus strand). Cytogenetic location: 11p15.4.
Variant type: single nucleotide variant.
Coding change: c.410G>A on transcript NM_000518.4; coding-DNA position 410, G replaced by A.
Protein change: p.Gly137Asp; replaces glycine 137 with aspartic acid.
Molecular consequence: missense variant (on NM_000518.5).
Genome position (GRCh38, 1-based): chr11:5,225,632, C>T on the plus strand (G>A on the coding strand, the complement: HBB is on the minus strand). VCF-style: chr11-5225632-C-T. GRCh37 (hg19) VCF-style: chr11-5246862-C-T.
Other names: G136D; Hb Hope; c.410G>A, p.Gly137Asp (NM_000518.5); short protein forms G137D.
Identifiers: ClinVar variation 15202 (VCV000015202.29), dbSNP rs33949486, ClinGen allele CA124914.

ClinVar aggregate classification (germline): Conflicting classifications of pathogenicity. Review status: criteria provided, conflicting classifications (1 of 4 stars). 8 submissions from 7 submitters: Uncertain significance (2); Benign (1); Likely benign (3). 2 of the submissions do not count toward it. Last evaluated 2025-07-31.

Conditions:
Beta-thalassemia HBB/LCRB. Identifiers: MedGen CN322236, MONDO:0013517, OMIM 613985.
Inborn genetic diseases. Identifiers: MedGen C0950123, MeSH D030342.
beta Thalassemia (BTHAL). Also called: Cooley's anemia; Erythroblastic anemia; Mediterranean anemia. Identifiers: Orphanet 848, MedGen C0005283, MONDO:0019402. Disease mechanism: loss of function.
Hb SS disease (SCD). Also called: Hemoglobin SS; Sickle cell anemia; Sickle cell disease; HbS disease; Hemoglobin S Disease; Sickling disorder due to hemoglobin S. Identifiers: Orphanet 232, Orphanet 275752, MedGen C0002895, MONDO:0011382, OMIM 603903.

Allele frequency attached by ClinVar (database versions not stated): TOPMed 0.00002; gnomAD exomes 0.00001; gnomAD 0.00001.
gnomAD v4.1: 4 of 1,613,996 alleles (0.00025%); highest among the groups gnomAD compares: African/African-American, 0.0053%; no homozygotes.

Submissions (8):

ARUP Laboratories, Molecular Genetics and Genomics, ARUP Laboratories
Classification: Likely benign. Last evaluated: 2025-07-31. Review status: criteria provided, single submitter. Criteria: ARUP Molecular Germline Variant Investigation Process 2024. Collection method: clinical testing. Allele origin: germline.
Comment: The Hb Hope variant (HBB c.410G>A; p.Gly137Asp, also known as Gly136Asp when numbered from the mature protein; HbVar ID: 548, rs33949486) has been reported in numerous individuals, either found as a heterozygote (Minnich 1965) or in combination with other pathogenic variants (Ingle 2004, Cook 2013, HbVar and references therein). Although this hemoglobin variant is mildly unstable, has reduced oxygen affinity (Minnich 1965), and has been reported to interfere with measurements of HbA1c levels (Chakraborty 2015), it has not been associated with significant clinical phenotypes when found in combination with Hb S/C/E or beta thalassemia traits (Ingle 2004, Cook 2013). The variant is reported in ClinVar (Variation ID: 15202) and is found in the general population with an overall allele frequency of 0.001% (3/251372 alleles) in the Genome Aggregation Database. Based on available information, this variant is considered to be likely benign. References: Link to HbVar database: Chakraborty S et al. Interference of the Hope Hemoglobin With Hemoglobin A1c Results. Lab Med. 2015 Summer;46(3):221-5. PMID: 26199262 Cook C et al. The clinical and laboratory spectrum of Hb C [beta6(A3)Glu?Lys, GAG>AAG] disease. Hemoglobin. 2013;37(1):16-25. PMID: 23297836. Ingle J et al. Hb Hope [beta136(H14)Gly-->Asp (GGT-->GAT)]: interactions with Hb S [beta6(A3)Glu-->Val (GAG-->GTG)], other variant hemoglobins and thalassemia. Hemoglobin. 2004; 28(4):277-85. PMID: 15658184. Minnich V et al. Hemoglobin Hope: A beta chain variant. Blood. 1965;25:830-8. PMID: 14282052.

Women's Health and Genetics/Laboratory Corporation of America, LabCorp
Classification: Likely benign. Last evaluated: 2025-06-25. Review status: criteria provided, single submitter. Criteria: LabCorp Variant Classification Summary - May 2015. Collection method: clinical testing. Allele origin: germline.
Comment: Variant summary: HBB c.410G>A (p.Gly137Asp) results in a non-conservative amino acid change located in the globin domain (IPR000971) of the encoded protein sequence. Algorithms developed to predict the effect of missense changes on protein structure and function all suggest that this variant is likely to be disruptive. The variant allele was found at a frequency of 1.2e-05 in 251372 control chromosomes. The available data on variant occurrences in the general population are insufficient to allow any conclusion about variant significance. c.410G>A has been reported in the literature as a clinically innocuous variant in individuals with mildly anemic phenotypes and also in co-occurrence among individuals with HbCS, Hb-H disease, and HbE/beta-thalassemia (e.g. Minnich_1965, Ingle_2004, Enoki_1989, Martinez_1984, Pagnier_1978, Sura_2007, Beneitez_2006, Fucharoen_2012, Svasti_2001, Chunpanich_2004, Rahbar_1992, Pillers_1992, Delacour_2016, Srivorakun_2014, Singha_2021). In particular, compound heterozygous individuals with Hb-Hope-HbS genotypes did not present with sickle cell disease phenotype (e.g. Ingle_2004). These data indicate that the variant is not strongly associated with disease. At least one publication reports experimental evidence evaluating an impact on protein function (e.g. Enoki_1989). The most pronounced variant effect results in reduced oxygen affinity. The following publications have been ascertained in the context of this evaluation (PMID: 15658184, 1428947, 1634366, 6500990, 14282052, 2703363, 15697092, 721614, 17655700, 11791878, 16540415, 22145566, 25244406, 26351951, 33244864). ClinVar contains an entry for this variant (Variation ID: 15202). Based on the evidence outlined above, the variant was classified as likely benign.

Quest Diagnostics Nichols Institute San Juan Capistrano
Classification: Uncertain significance. Last evaluated: 2025-06-18. Review status: criteria provided, single submitter. Criteria: Quest Diagnostics criteria. Collection method: clinical testing. Allele origin: unknown.
Comment: The HBB c.410G>A (p.Gly137Asp) variant (also known as Hb Hope) has been reported to be mildly unstable, with normal Bohr effect but decreased oxygen affinity and cooperativity (PMID: 932531 (1976)). Individuals who carry this variant in combination with Hb E (HBB c.79G>A (p.Glu27Lys)) or Hb C (HBB c.19G>A (p.Glu7Lys)) have a normal clinical presentation (PMID: 14282052 (1965), 1634366 (1992), 23297836 (2013), 25244406 (2014), 38504512 (2024), 38649425 (2024)). However, compound heterozygosity of this variant with Hb S (HBB c.20A>T (p.Glu7Val)) or Hb Grady (HBA1 or HBA2 p.Thr119_Pro120insGluPheThr) is associated with mild hemolytic anemia (PMID: 6500990 (1984), 26351951 (2016)). This variant has also been identified in individuals with deletional alpha thalassemia intermedia (--SEA/-alpha3.7) (PMID: 22145566 (2012)) or deletional alpha thalassemia with mild microcytic hypochromic anemia (--SEA/alphaalpha) (PMID: 38895162 (2024)). The frequency of this variant in the general population (Genome Aggregation Database) is uninformative in the assessment of its pathogenicity. Analysis of this variant using bioinformatics tools for the prediction of the effect of amino acid changes on protein structure and function yielded predictions that this variant is damaging. Based on the available information, we are unable to determine the clinical significance of this variant.

Mendelics
Classification: Benign for Beta-thalassemia HBB/LCRB. Last evaluated: 2019-05-28. Review status: criteria provided, single submitter. Criteria: Mendelics Assertion Criteria 2017. Collection method: clinical testing. Allele origin: unknown.

Ambry Genetics
Classification: Likely benign for Inborn genetic diseases. Last evaluated: 2017-08-08. Review status: criteria provided, single submitter. Criteria: Ambry Variant Classification Scheme 2023. Collection method: clinical testing. Allele origin: germline.

Baylor Genetics
Classification: Uncertain significance for Beta-thalassemia HBB/LCRB. Review status: criteria provided, single submitter. Criteria: ACMG Guidelines, 2015. Collection method: clinical testing. Allele origin: unknown.

OMIM
Classification: Benign for HEMOGLOBIN HOPE. Last evaluated: 2017-12-12. Review status: no assertion criteria provided. Collection method: literature only. Allele origin: germline. Not counted in ClinVar's aggregate classification.

Baylor Genetics
Classification: Pathogenic for Hb SS disease. Review status: flagged submission. Criteria: ACMG Guidelines, 2015. Collection method: clinical testing. Allele origin: germline. Not counted in ClinVar's aggregate classification.
ClinVar note: Reason: New submission from submitter that appears to have been intended to update this older submission

Literature cited by the submitters: PubMed 15658184 (cited by 4 submitters); PubMed 1428947 (cited by Women's Health and Genetics/Laboratory Corporation of America, LabCorp and Quest Diagnostics Nichols Institute San Juan Capistrano); PubMed 1634366 (cited by 3 submitters); PubMed 6500990 (cited by 3 submitters); PubMed 14282052 (cited by 3 submitters); PubMed 2703363 (cited by Women's Health and Genetics/Laboratory Corporation of America, LabCorp and OMIM); PubMed 15697092 (cited by Women's Health and Genetics/Laboratory Corporation of America, LabCorp); PubMed 721614 (cited by Women's Health and Genetics/Laboratory Corporation of America, LabCorp); PubMed 17655700 (cited by Women's Health and Genetics/Laboratory Corporation of America, LabCorp and Ambry Genetics); PubMed 11791878 (cited by Women's Health and Genetics/Laboratory Corporation of America, LabCorp); PubMed 16540415 (cited by Women's Health and Genetics/Laboratory Corporation of America, LabCorp); PubMed 22145566 (cited by Women's Health and Genetics/Laboratory Corporation of America, LabCorp and Quest Diagnostics Nichols Institute San Juan Capistrano); PubMed 25244406 (cited by Women's Health and Genetics/Laboratory Corporation of America, LabCorp and Quest Diagnostics Nichols Institute San Juan Capistrano); PubMed 26351951 (cited by Women's Health and Genetics/Laboratory Corporation of America, LabCorp and Quest Diagnostics Nichols Institute San Juan Capistrano); PubMed 33244864 (cited by Women's Health and Genetics/Laboratory Corporation of America, LabCorp and Quest Diagnostics Nichols Institute San Juan Capistrano); PubMed 35023007 (cited by Quest Diagnostics Nichols Institute San Juan Capistrano); PubMed 31164695 (cited by Quest Diagnostics Nichols Institute San Juan Capistrano); PubMed 31240559 (cited by Quest Diagnostics Nichols Institute San Juan Capistrano); PubMed 31553106 (cited by Quest Diagnostics Nichols Institute San Juan Capistrano); PubMed 808079 (cited by Quest Diagnostics Nichols Institute San Juan Capistrano); PubMed 28125089 (cited by Quest Diagnostics Nichols Institute San Juan Capistrano); PubMed 932531 (cited by Quest Diagnostics Nichols Institute San Juan Capistrano and OMIM); PubMed 429843 (cited by Quest Diagnostics Nichols Institute San Juan Capistrano and OMIM); PubMed 37058522 (cited by Quest Diagnostics Nichols Institute San Juan Capistrano); PubMed 38504512 (cited by Quest Diagnostics Nichols Institute San Juan Capistrano); PubMed 38649425 (cited by Quest Diagnostics Nichols Institute San Juan Capistrano); PubMed 38895162 (cited by Quest Diagnostics Nichols Institute San Juan Capistrano); PubMed 29464999 (cited by Quest Diagnostics Nichols Institute San Juan Capistrano); PubMed 31106603 (cited by Quest Diagnostics Nichols Institute San Juan Capistrano); PubMed 33287582 (cited by Quest Diagnostics Nichols Institute San Juan Capistrano); PubMed 23297836 (cited by Quest Diagnostics Nichols Institute San Juan Capistrano and Ambry Genetics); PubMed 19429541 (cited by Quest Diagnostics Nichols Institute San Juan Capistrano and Ambry Genetics); PubMed 26524961 (cited by Quest Diagnostics Nichols Institute San Juan Capistrano); PubMed 27207683 (cited by Quest Diagnostics Nichols Institute San Juan Capistrano); PubMed 25130136 (cited by Quest Diagnostics Nichols Institute San Juan Capistrano); PubMed 12144064 (cited by Ambry Genetics); PubMed 2232267 (cited by Ambry Genetics); PubMed 2434529 (cited by OMIM); PubMed 6852251 (cited by OMIM).